The following is an entry in ClinVar:

NM_024809.5(TCTN2):c.649C>G (p.Gln217Glu)

Gene: TCTN2 (tectonic family member 2; plus strand). Cytogenetic location: 12q24.31.
Variant type: single nucleotide variant.
Coding change: c.649C>G on transcript NM_024809.5 (MANE Select); coding-DNA position 649, C replaced by G.
Protein change: p.Gln217Glu; replaces glutamine 217 with glutamic acid.
Molecular consequence: missense variant.
Genome position (GRCh38, 1-based): chr12:123,686,920, C>G. VCF-style: chr12-123686920-C-G. GRCh37 (hg19) VCF-style: chr12-124171467-C-G.
Other names: c.646C>G, p.Gln216Glu (NM_001143850.3); c.649C>G, p.Gln217Glu (NM_001410989.1); short protein forms Q216E, Q217E.
Identifiers: ClinVar variation 2165962 (VCV002165962.2), dbSNP rs771349899, ClinGen allele CA387161757.

ClinVar aggregate classification (germline): Uncertain significance (1 of 4 stars; one submission).

Conditions:
Joubert syndrome. Also called: CEREBELLOPARENCHYMAL DISORDER IV; JOUBERT-BOLTSHAUSER SYNDROME; Familial aplasia of the vermis. Identifiers: Orphanet 475, MedGen C5979921, MONDO:0018772.
Meckel-Gruber syndrome. Also called: DYSENCEPHALIA SPLANCHNOCYSTICA; GRUBER SYNDROME; Dysencephalia splachnocystica. Identifiers: Orphanet 564, MedGen C0265215, MONDO:0018921.

gnomAD v4.1: 1 of 1,614,206 alleles (0.000062%); no homozygotes.

Submission:

Labcorp Genetics (formerly Invitae), Labcorp
Classification: Uncertain significance for Joubert syndrome; Meckel-Gruber syndrome. Last evaluated: 2022-11-22. Review status: criteria provided, single submitter. Criteria: Invitae Variant Classification Sherloc (09022015). Collection method: clinical testing. Allele origin: germline.
Comment: In summary, the available evidence is currently insufficient to determine the role of this variant in disease. Therefore, it has been classified as a Variant of Uncertain Significance. Advanced modeling of protein sequence and biophysical properties (such as structural, functional, and spatial information, amino acid conservation, physicochemical variation, residue mobility, and thermodynamic stability) performed at Invitae indicates that this missense variant is expected to disrupt TCTN2 protein function. This variant has not been reported in the literature in individuals affected with TCTN2-related conditions. This variant is not present in population databases (gnomAD no frequency). This sequence change replaces glutamine, which is neutral and polar, with glutamic acid, which is acidic and polar, at codon 217 of the TCTN2 protein (p.Gln217Glu).